The following is an entry in ClinVar:

NM_006009.4(TUBA1A):c.320A>G (p.His107Arg)

Gene: TUBA1A (tubulin alpha 1a; minus strand). Cytogenetic location: 12q13.12.
Variant type: single nucleotide variant.
Coding change: c.320A>G on transcript NM_006009.4 (MANE Select); coding-DNA position 320, A replaced by G.
Protein change: p.His107Arg; replaces histidine 107 with arginine.
Molecular consequence: missense variant.
Genome position (GRCh38, 1-based): chr12:49,186,365, T>C on the plus strand (A>G on the coding strand, the complement: TUBA1A is on the minus strand). VCF-style: chr12-49186365-T-C. GRCh37 (hg19) VCF-style: chr12-49580148-T-C.
Other names: c.320A>G, p.His107Arg (NM_001270399.2); c.215A>G, p.His72Arg (NM_001270400.2); short protein forms H107R, H72R.
Identifiers: ClinVar variation 625510 (VCV000625510.2), dbSNP rs1565627517, ClinGen allele CA384643267.
Genomic context (GRCh38, chr12:49,186,365, plus strand): 5'-CATACCAGCTTGCGAATTCGGTCCAACACGAGGTCAATGATCTCCTTGCCAATGGTGTAG[T>C]GCCCTCGGGCATAGTTATTGGCAGCATCTTCTTTGCCTGTGATAAGTTGCTCAGGGTGGA-3'
Protein context (NP_006000.2, residues 97-117): EDAANNYARG[His107Arg]YTIGKEIIDL

ClinVar aggregate classification (germline): Pathogenic (1 of 4 stars; one submission).

Conditions:
Tubulinopathy. Also called: Tubulinopathies. Identifiers: MedGen CN850169, MONDO:0100153.

Submission:

Institute of Human Genetics, FAU Erlangen, Friedrich-Alexander-Universität Erlangen-Nürnberg
Classification: Pathogenic for Tubulinopathies. Last evaluated: 2018-07-01. Review status: criteria provided, single submitter. Criteria: ACMG Guidelines, 2015. Collection method: literature only. Allele origin: de novo. Affected: yes. Observed: 1 variant allele.
Comment: The c.320A>G, p.(His107Arg) variant has been reported as a variant of de novo origin. This variant and associated phenotype was previously reported by Mencarelli et al. J. Mol. Sci, 2017 PMID: 29109381. HPO-standardized clinical features were: Hypoplasia of the corpus callosum (HP:0002079); Cortical gyral simplification (HP:0009879); Cerebellar vermis hypoplasia (HP:0001320); Hypoplasia of the pons (HP:0012110); Dilation of lateral ventricles (HP:0006956); Microcephaly (HP:0000252); Muscular hypotonia (HP:0001252); Generalized tonic-clonic seizures (HP:0002069)

Literature cited by the submitters: PubMed 30744660; DOI 10.1101/427948.